The following is an entry in ClinVar:

NM_001283009.2(RTEL1):c.2649C>G (p.His883Gln)

Genes: RTEL1 (regulator of telomere elongation helicase 1; plus strand), RTEL1-TNFRSF6B (RTEL1-TNFRSF6B readthrough (NMD candidate); plus strand). Cytogenetic location: 20q13.33.
Variant type: single nucleotide variant.
Coding change: c.2649C>G on transcript NM_001283009.2 (MANE Select); coding-DNA position 2649, C replaced by G.
Protein change: p.His883Gln; replaces histidine 883 with glutamine.
Molecular consequence: missense variant. On other transcripts: non-coding transcript variant (1).
Genome position (GRCh38, 1-based): chr20:63,691,834, C>G. VCF-style: chr20-63691834-C-G. GRCh37 (hg19) VCF-style: chr20-62323187-C-G.
Other names: c.1980C>G, p.His660Gln (NM_001283010.1); c.2649C>G, p.His883Gln (NM_016434.4); c.2721C>G, p.His907Gln (NM_032957.5); short protein forms H907Q, H660Q, H883Q.
Identifiers: ClinVar variation 4157731 (VCV004157731.1).
Genomic context (GRCh38, chr20:63,691,834, plus strand): 5'-TGAGAAGAGGCCGGCAGAAGAACCGCGAGGAGGGAGGAAGAAGATCCGGCTGGTCAGCCA[C>G]CCGGTGCGTGAGCTGTCCCTGCACCTGTGCCGACCACCATAGACACGCATGGGAACGCAG-3'
Protein context (NP_001269938.1, residues 873-893): GGRKKIRLVS[His883Gln]PEEPVAGAQT

ClinVar aggregate classification (germline): Uncertain significance (1 of 4 stars; one submission).

Conditions:
Inborn genetic diseases. Identifiers: MedGen C0950123, MeSH D030342.

gnomAD v4.1: 1 of 1,609,502 alleles (0.000062%); highest among the groups gnomAD compares: African/African-American, 0.0013%; no homozygotes.

Submission:

Ambry Genetics
Classification: Uncertain significance for Inborn genetic diseases. Last evaluated: 2025-09-10. Review status: criteria provided, single submitter. Criteria: Ambry Variant Classification Scheme 2023. Collection method: clinical testing. Allele origin: germline.
Comment: The p.H883Q variant (also known as c.2649C>G), located in coding exon 27 of the RTEL1 gene, results from a C to G substitution at nucleotide position 2649. The histidine at codon 883 is replaced by glutamine, an amino acid with highly similar properties. This amino acid position is conserved. In addition, this alteration is predicted to be tolerated by in silico analysis. Based on the available evidence, the clinical significance of this variant remains unclear.